The following is an entry in ClinVar:

NM_197968.4(ZMYM2):c.3905G>A (p.Cys1302Tyr)

Gene: ZMYM2 (zinc finger MYM-type containing 2; plus strand). Cytogenetic location: 13q12.11.
Variant type: single nucleotide variant.
Coding change: c.3905G>A on transcript NM_197968.4 (MANE Select); coding-DNA position 3905, G replaced by A.
Protein change: p.Cys1302Tyr; replaces cysteine 1302 with tyrosine.
Molecular consequence: missense variant. On other transcripts: non-coding transcript variant (1).
Genome position (GRCh38, 1-based): chr13:20,083,740, G>A. VCF-style: chr13-20083740-G-A. GRCh37 (hg19) VCF-style: chr13-20657880-G-A.
Other names: c.3905G>A, p.Cys1302Tyr (NM_001190964.4, NM_001190965.4, NM_001353157.2 and 4 more transcripts); c.3710G>A, p.Cys1237Tyr (NM_001353161.3); c.3644G>A, p.Cys1215Tyr (NM_001353163.2); short protein forms C1215Y, C1237Y, C1302Y.
Identifiers: ClinVar variation 3342937 (VCV003342937.1).
Genomic context (GRCh38, chr13:20,083,740, plus strand): 5'-AACATGAAGATGATGAGCCAGTATTTGAACAAATTGAAAACACAGCCAATCCTTCCAGAT[G>A]TCCTGTGAAAATGTTTGAATGCTACTTGTCTAAAAGGTGAGTGTTAATGATACTTAACTT-3'
Protein context (NP_932072.1, residues 1292-1312): QIENTANPSR[Cys1302Tyr]PVKMFECYLS

ClinVar aggregate classification (germline): Uncertain significance (1 of 4 stars; one submission).

Submission:

GeneDx
Classification: Uncertain significance. Last evaluated: 2023-04-02. Review status: criteria provided, single submitter. Criteria: GeneDx Variant Classification Process June 2021. Collection method: clinical testing. Allele origin: germline. Affected: yes.
Comment: Not observed at significant frequency in large population cohorts (gnomAD); In silico analysis supports that this missense variant has a deleterious effect on protein structure/function; Has not been previously published as pathogenic or benign to our knowledge.